The following is an entry in ClinVar:

NM_004278.4(PIGL):c.660+5G>A

Gene: PIGL (phosphatidylinositol glycan anchor biosynthesis class L; plus strand). Cytogenetic location: 17p11.2.
Variant type: single nucleotide variant.
Coding change: c.660+5G>A on transcript NM_004278.4 (MANE Select); 5 bases into the intron after coding-DNA position 660, G replaced by A.
Molecular consequence: intron variant.
Genome position (GRCh38, 1-based): chr17:16,317,913, G>A. VCF-style: chr17-16317913-G-A. GRCh37 (hg19) VCF-style: chr17-16221227-G-A.
Other names: c.628+5G>A (NM_001411072.1).
Identifiers: ClinVar variation 4535380 (VCV004535380.6).
Genomic context (GRCh38, chr17:16,317,913, plus strand): 5'-TTCATACGCAGGATGTCCTCTTCGTGCTCAACAGCAAAGAAGTGGCACAGGCCAAGGTGA[G>A]GATTGTAAATTCCTGGACACCCCAACTCAGATCCCTGCCCCAGACCCCTGTCTCCTCAAA-3'

ClinVar aggregate classification (germline): Uncertain significance (1 of 4 stars; one submission).

gnomAD v4.1: 1 of 1,610,430 alleles (0.000062%); highest among the groups gnomAD compares: Non-Finnish European, 0.000085%; no homozygotes.

Submission:

CeGaT Center for Human Genetics Tuebingen
Classification: Uncertain significance. Last evaluated: 2025-11-01. Review status: criteria provided, single submitter. Criteria: CeGaT Center For Human Genetics Tuebingen Variant Classification Criteria Version 2. Collection method: clinical testing. Allele origin: germline. Affected: yes. Observed: 1 variant allele.
Comment: PIGL: PM2, BP4